The following is an entry in ClinVar:

NM_012318.3(LETM1):c.232G>A (p.Glu78Lys)

Gene: LETM1 (leucine zipper and EF-hand containing transmembrane protein 1; minus strand). Cytogenetic location: 4p16.3.
Variant type: single nucleotide variant.
Coding change: c.232G>A on transcript NM_012318.3 (MANE Select); coding-DNA position 232, G replaced by A.
Protein change: p.Glu78Lys; replaces glutamic acid 78 with lysine.
Molecular consequence: missense variant.
Genome position (GRCh38, 1-based): chr4:1,841,709, C>T on the plus strand (G>A on the coding strand, the complement: LETM1 is on the minus strand). VCF-style: chr4-1841709-C-T. GRCh37 (hg19) VCF-style: chr4-1843436-C-T.
Other names: c.232G>A (NM_012318.2); short protein forms E78K.
Identifiers: ClinVar variation 1940171 (VCV001940171.6), dbSNP rs1023631712, ClinGen allele CA91280506.

ClinVar aggregate classification (germline): Uncertain significance. Review status: criteria provided, multiple submitters, no conflicts (2 of 4 stars). 2 submissions from 2 submitters: Uncertain significance (2). Last evaluated 2025-05-14.

Conditions:
Inborn genetic diseases. Identifiers: MedGen C0950123, MeSH D030342.

Allele frequency attached by ClinVar (database versions not stated): TOPMed below 0.00001.
gnomAD v4.1: 11 of 1,614,150 alleles (0.00068%); highest among the groups gnomAD compares: Admixed American, 0.005%; no homozygotes.

Submissions (2):

Ambry Genetics
Classification: Uncertain significance for Inborn genetic diseases. Last evaluated: 2025-05-14. Review status: criteria provided, single submitter. Criteria: Ambry Variant Classification Scheme 2023. Collection method: clinical testing. Allele origin: germline.

Labcorp Genetics (formerly Invitae), Labcorp
Classification: Uncertain significance. Last evaluated: 2022-02-04. Review status: criteria provided, single submitter. Criteria: Invitae Variant Classification Sherloc (09022015). Collection method: clinical testing. Allele origin: germline.
Comment: This sequence change replaces glutamic acid, which is acidic and polar, with lysine, which is basic and polar, at codon 78 of the LETM1 protein (p.Glu78Lys). In summary, the available evidence is currently insufficient to determine the role of this variant in disease. Therefore, it has been classified as a Variant of Uncertain Significance. Algorithms developed to predict the effect of missense changes on protein structure and function output the following: SIFT: "Deleterious"; PolyPhen-2: "Benign"; Align-GVGD: "Class C0". The lysine amino acid residue is found in multiple mammalian species, which suggests that this missense change does not adversely affect protein function. This variant has not been reported in the literature in individuals affected with LETM1-related conditions. This variant is present in population databases (no rsID available, gnomAD 0.006%).